The following is an entry in ClinVar:

ClinVar aggregate classification (germline): Uncertain significance (1 of 4 stars; one submission).

Submission:

Dasa
Classification: Uncertain significance. Last evaluated: 2026-07-11. Review status: criteria provided, single submitter. Criteria: DASA Assertion Criteria. Collection method: clinical testing. Allele origin: germline.
Comment: NM_001130438.3(SPTAN1):c.3149A>C (p.Asp1050Ala) is a missense variant that results in the substitution of aspartic acid with alanine. This variant is rare in population databases. The currently available literature and clinical evidence are not sufficient to establish a definitive association between this variant and the reported condition. Therefore, this variant is classified as a variant of uncertain significance.

NM_001130438.3(SPTAN1):c.3149A>C (p.Asp1050Ala)

Gene: SPTAN1 (spectrin alpha, non-erythrocytic 1; plus strand). Cytogenetic location: 9q34.11.
Variant type: single nucleotide variant.
Coding change: c.3149A>C on transcript NM_001130438.3 (MANE Select); coding-DNA position 3149, A replaced by C.
Protein change: p.Asp1050Ala; replaces aspartic acid 1050 with alanine.
Molecular consequence: missense variant.
Genome position (GRCh38, 1-based): chr9:128,591,619, A>C. VCF-style: chr9-128591619-A-C. GRCh37 (hg19) VCF-style: chr9-131353898-A-C.
Other names: c.3149A>C, p.Asp1050Ala (NM_001195532.2, NM_001363759.2, NM_001363765.2 and 10 more transcripts); c.3185A>C, p.Asp1062Ala (NM_001375312.2, NM_001375318.1, NM_001438440.1); short protein forms D1050A, D1062A.
Identifiers: ClinVar variation 5020203 (VCV005020203.1).
Genomic context (GRCh38, chr9:128,591,619, plus strand): 5'-CCTCCCGGGAGAATCTCCTGGAGGAGCAAGGCAGCATAGCACTGCGGCAGGAGCAGATTG[A>C]CAATCAGTAAGGATGACACTGGGGGCCGCAAGGGCTAGGCGTCCCATAGGCATACTCTGT-3'
Protein context (NP_001123910.1, residues 1040-1060): GSIALRQEQI[Asp1050Ala]NQTRITKEAG